The following is an entry in ClinVar:

NM_005419.4(STAT2):c.449T>C (p.Leu150Pro)

Gene: STAT2 (signal transducer and activator of transcription 2; minus strand). Cytogenetic location: 12q13.3.
Variant type: single nucleotide variant.
Coding change: c.449T>C on transcript NM_005419.4 (MANE Select); coding-DNA position 449, T replaced by C.
Protein change: p.Leu150Pro; replaces leucine 150 with proline.
Molecular consequence: missense variant.
Genome position (GRCh38, 1-based): chr12:56,355,465, A>G on the plus strand (T>C on the coding strand, the complement: STAT2 is on the minus strand). VCF-style: chr12-56355465-A-G. GRCh37 (hg19) VCF-style: chr12-56749249-A-G.
Other names: c.437T>C, p.Leu146Pro (NM_001385110.1, NM_001385115.1, NM_198332.2); c.449T>C, p.Leu150Pro (NM_001385111.1, NM_001385113.1, NM_001385114.1); short protein forms L146P, L150P.
Identifiers: ClinVar variation 3907354 (VCV003907354.1).

ClinVar aggregate classification (germline): Uncertain significance (1 of 4 stars; one submission).

gnomAD v4.1: 4 of 1,614,146 alleles (0.00025%); highest among the groups gnomAD compares: Non-Finnish European, 0.00034%; no homozygotes.

Submission:

Women's Health and Genetics/Laboratory Corporation of America, LabCorp
Classification: Uncertain significance. Last evaluated: 2025-06-05. Review status: criteria provided, single submitter. Criteria: LabCorp Variant Classification Summary - May 2015. Collection method: clinical testing. Allele origin: germline.
Comment: Variant summary: STAT2 c.449T>C (p.Leu150Pro) results in a non-conservative amino acid change in the encoded protein sequence. Algorithms developed to predict the effect of missense changes on protein structure and function are either unavailable or do not agree on the potential impact of this missense change. The variant was absent in 251488 control chromosomes. The available data on variant occurrences in the general population are insufficient to allow any conclusion about variant significance. To our knowledge, no occurrence of c.449T>C in individuals affected with Primary immunodeficiency with post-measles-mumps-rubella vaccine viral infection and no experimental evidence demonstrating its impact on protein function have been reported. No submitters have cited clinical-significance assessments for this variant to ClinVar. Based on the evidence outlined above, the variant was classified as uncertain significance.